The following is an entry in ClinVar:

ClinVar aggregate classification (germline): Uncertain significance (1 of 4 stars; one submission).

Submission:

Women's Health and Genetics/Laboratory Corporation of America, LabCorp
Classification: Uncertain significance. Last evaluated: 2025-11-28. Review status: criteria provided, single submitter. Criteria: LabCorp Variant Classification Summary - May 2015. Collection method: clinical testing. Allele origin: germline.
Comment: Variant summary: MCAT c.545_558del14 (p.Met182ArgfsX40) results in a premature termination codon, predicted to cause a truncation of the encoded protein or absence of the protein due to nonsense mediated decay, however current evidence is not sufficient to establish loss of function as a mechanism for disease. The variant was absent in 251192 control chromosomes. The available data on variant occurrences in the general population are insufficient to allow any conclusion about variant significance. To our knowledge, no occurrence of c.545_558del14 in individuals affected with MCAT-related conditions and no experimental evidence demonstrating its impact on protein function have been reported. No submitters have cited clinical-significance assessments for this variant to ClinVar. Based on the evidence outlined above, the variant was classified as uncertain significance.

NM_173467.5(MCAT):c.545_558del (p.Met182fs)

Gene: MCAT (malonyl-CoA-acyl carrier protein transacylase; minus strand). Cytogenetic location: 22q13.2.
Variant type: Deletion.
Coding change: c.545_558del on transcript NM_173467.5 (MANE Select); coding-DNA positions 545 to 558, 14 bases deleted (TGCAGGAAGCTTCA).
Protein change: p.Met182fs; shifts the reading frame from methionine 182.
Molecular consequence: frameshift variant. On other transcripts: intron variant (1).
Genome position (GRCh38, 1-based): chr22:43,137,252-43,137,265, TGAAGCTTCCTGCA deleted on the plus strand (TGCAGGAAGCTTCA on the coding strand, the reverse complement: MCAT is on the minus strand); deleting any 14 consecutive bases within chr22:43,137,252-43,137,267 gives the same sequence; the c. name uses the placement nearest the transcript's 3' end. VCF-style (leftmost placement, unchanged base first): chr22-43137251-CTGAAGCTTCCTGCA-C. GRCh37 (hg19) VCF-style: chr22-43533257-CTGAAGCTTCCTGCA-C.
Other names: c.545_558del14 (NM_173467.5); c.512-3779_512-3766del (NM_014507.3); short protein forms M182fs.
Identifiers: ClinVar variation 4536738 (VCV004536738.1).